The following is an entry in ClinVar:

NM_024675.4(PALB2):c.509G>T (p.Arg170Ile)

Gene: PALB2 (partner and localizer of BRCA2; minus strand). Cytogenetic location: 16p12.2.
Variant type: single nucleotide variant.
Coding change: c.509G>T on transcript NM_024675.4 (MANE Select); coding-DNA position 509, G replaced by T.
Protein change: p.Arg170Ile; replaces arginine 170 with isoleucine.
Molecular consequence: missense variant.
Genome position (GRCh38, 1-based): chr16:23,636,037, C>A on the plus strand (G>T on the coding strand, the complement: PALB2 is on the minus strand). VCF-style: chr16-23636037-C-A. GRCh37 (hg19) VCF-style: chr16-23647358-C-A.
Other names: short protein forms R170I.
Identifiers: ClinVar variation 1382792 (VCV001382792.7), dbSNP rs898765598, ClinGen allele CA395137017.

ClinVar aggregate classification (germline): Uncertain significance (1 of 4 stars; one submission).

Conditions:
Familial cancer of breast. Also called: Hereditary breast cancer; BREAST CANCER, FAMILIAL; hereditary breast carcinoma. Identifiers: Orphanet 227535, MedGen C0346153, MONDO:0016419, OMIM 114480. Disease mechanism: loss of function.

Submission:

Labcorp Genetics (formerly Invitae), Labcorp
Classification: Uncertain significance for Familial cancer of breast. Last evaluated: 2022-03-08. Review status: criteria provided, single submitter. Criteria: Invitae Variant Classification Sherloc (09022015). Collection method: clinical testing. Allele origin: germline.
Comment: This variant is not present in population databases (gnomAD no frequency). In summary, the available evidence is currently insufficient to determine the role of this variant in disease. Therefore, it has been classified as a Variant of Uncertain Significance. Algorithms developed to predict the effect of missense changes on protein structure and function output the following: SIFT: "Tolerated"; PolyPhen-2: "Benign"; Align-GVGD: "Class C0". The isoleucine amino acid residue is found in multiple mammalian species, which suggests that this missense change does not adversely affect protein function. This variant has not been reported in the literature in individuals affected with PALB2-related conditions. This sequence change replaces arginine, which is basic and polar, with isoleucine, which is neutral and non-polar, at codon 170 of the PALB2 protein (p.Arg170Ile).